The following is an entry in ClinVar:

ClinVar aggregate classification (germline): Uncertain significance (1 of 4 stars; one submission).

Allele frequency attached by ClinVar (database versions not stated): TOPMed below 0.00001; gnomAD 0.00001.
gnomAD v4.1: 2 of 1,612,592 alleles (0.00012%); highest among the groups gnomAD compares: Non-Finnish European, 0.00017%; no homozygotes.

Submission:

Ambry Genetics
Classification: Uncertain significance. Last evaluated: 2018-02-15. Review status: criteria provided, single submitter. Criteria: Ambry Variant Classification Scheme 2023. Collection method: clinical testing. Allele origin: germline.
Comment: The c.-1G>C variant is located in the 5' untranslated region (5&rsquo; UTR) of the TMPO gene. This variant results from a G to C substitution 1 base upstream from the first translated codon. This nucleotide position is highly conserved in available vertebrate species. Since supporting evidence is limited at this time, the clinical significance of this alteration remains unclear.

NM_001032283.3(TMPO):c.-1G>C

Genes: TMPO (thymopoietin; plus strand), TMPO-AS1 (TMPO antisense RNA 1; minus strand). Cytogenetic location: 12q23.1.
Variant type: single nucleotide variant.
Coding change: c.-1G>C on transcript NM_001032283.3 (MANE Select); 1 bases upstream of the start codon, G replaced by C.
Molecular consequence: 5 prime UTR variant. On other transcripts: non-coding transcript variant (1).
Genome position (GRCh38, 1-based): chr12:98,515,867, G>C. VCF-style: chr12-98515867-G-C. GRCh37 (hg19) VCF-style: chr12-98909645-G-C.
Other names: c.-1G>C (NM_001032284.3, NM_001307975.2, NM_003276.2).
Identifiers: ClinVar variation 1784211 (VCV001784211.2), dbSNP rs1229477397, ClinGen allele CA481589640.